The following is an entry in ClinVar:

NM_001277115.2(DNAH11):c.8940+1G>A

Gene: DNAH11 (dynein axonemal heavy chain 11; plus strand). Cytogenetic location: 7p15.3.
Variant type: single nucleotide variant.
Coding change: c.8940+1G>A on transcript NM_001277115.2 (MANE Select); the canonical splice donor site of the intron after coding-DNA position 8940, G replaced by A.
Molecular consequence: splice donor variant.
Genome position (GRCh38, 1-based): chr7:21,750,365, G>A. VCF-style: chr7-21750365-G-A. GRCh37 (hg19) VCF-style: chr7-21789983-G-A.
Identifiers: ClinVar variation 2964436 (VCV002964436.3), dbSNP rs2535137725, ClinGen allele CA366956491.

ClinVar aggregate classification (germline): Likely pathogenic (1 of 4 stars; one submission).

Conditions:
Primary ciliary dyskinesia. Also called: Ciliary dyskinesia. Identifiers: Orphanet 244, MedGen C0008780, MONDO:0016575, HP:0012265.

Submission:

Labcorp Genetics (formerly Invitae), Labcorp
Classification: Likely pathogenic for Primary ciliary dyskinesia. Last evaluated: 2023-01-14. Review status: criteria provided, single submitter. Criteria: Invitae Variant Classification Sherloc (09022015). Collection method: clinical testing. Allele origin: germline.
Comment: This sequence change affects a donor splice site in intron 54 of the DNAH11 gene. It is expected to disrupt RNA splicing. Variants that disrupt the donor or acceptor splice site typically lead to a loss of protein function (PMID: 16199547), and loss-of-function variants in DNAH11 are known to be pathogenic (PMID: 18022865, 20513915, 22184204). This variant is not present in population databases (gnomAD no frequency). This variant has not been reported in the literature in individuals affected with DNAH11-related conditions. Algorithms developed to predict the effect of sequence changes on RNA splicing suggest that this variant may disrupt the consensus splice site. In summary, the currently available evidence indicates that the variant is pathogenic, but additional data are needed to prove that conclusively. Therefore, this variant has been classified as Likely Pathogenic.

Literature cited by the submitters: PubMed 16199547; PubMed 18022865; PubMed 20513915; PubMed 22184204.